The following is an entry in ClinVar:

ClinVar aggregate classification (germline): Pathogenic/Likely pathogenic. Review status: criteria provided, multiple submitters, no conflicts (2 of 4 stars). 6 submissions from 6 submitters: Pathogenic (4); Likely pathogenic (1). 1 of the submissions does not count toward it. Last evaluated 2025-10-07.

Conditions:
Primary ciliary dyskinesia 3. Identifiers: Orphanet 244, MedGen C1837618, MONDO:0012085, OMIM 608644.
Primary ciliary dyskinesia. Also called: Ciliary dyskinesia. Identifiers: Orphanet 244, MedGen C0008780, MONDO:0016575, HP:0012265.

Submissions (6):

Natera, Inc.
Classification: Pathogenic for Primary ciliary dyskinesia. Last evaluated: 2025-10-07. Review status: criteria provided, single submitter. Criteria: Natera Variant Classification Schema (03/2026). Collection method: clinical testing. Allele origin: germline.
Comment: The c.3037_3040del variant in DNAH5 is a frameshift variant predicted to shift the reading frame beginning at codon 1014 and leads to a stop codon 20 codons downstream. This variant is expected to result in nonsense mediated decay, truncation, or a dysfunctional protein product. This variant is rare in the general population with a frequency below the threshold expected for the associated phenotype(s). This variant has been observed in one or more individuals affected with the associated recessive disease, as either homozygous or compound heterozygous with a second variant (PMID: 25186273). Given the available evidence, this variant is classified as Pathogenic.

Myriad Genetics, Inc.
Classification: Pathogenic for Primary ciliary dyskinesia 3. Last evaluated: 2024-05-14. Review status: criteria provided, single submitter. Criteria: Myriad Autosomal Dominant, Autosomal Recessive and X-Linked Classification Criteria (2023). Collection method: clinical testing. Allele origin: unknown.
Comment: NM_001369.2(DNAH5):c.3037_3040delAGCG(V1014Lfs*20) is expected to be pathogenic in the context of primary ciliary dyskinesia, DNAH5-related. This variant is predicted to lead to an abnormal or absent protein product due to the creation of a premature termination codon in DNAH5, a gene where loss-of-function variants are known to be pathogenic. Please note: this variant was assessed in the context of healthy population screening.

Labcorp Genetics (formerly Invitae), Labcorp
Classification: Pathogenic for Primary ciliary dyskinesia. Last evaluated: 2023-09-09. Review status: criteria provided, single submitter. Criteria: Invitae Variant Classification Sherloc (09022015). Collection method: clinical testing. Allele origin: germline.
Comment: This sequence change creates a premature translational stop signal (p.Val1014Leufs*20) in the DNAH5 gene. It is expected to result in an absent or disrupted protein product. Loss-of-function variants in DNAH5 are known to be pathogenic (PMID: 11788826, 16627867). This variant is not present in population databases (gnomAD no frequency). For these reasons, this variant has been classified as Pathogenic. Algorithms developed to predict the effect of sequence changes on RNA splicing suggest that this variant may create or strengthen a splice site. ClinVar contains an entry for this variant (Variation ID: 667393). This premature translational stop signal has been observed in individual(s) with primary ciliary dyskinesia (PMID: 24498942).

GeneDx
Classification: Likely pathogenic. Last evaluated: 2022-10-10. Review status: criteria provided, single submitter. Criteria: GeneDx Variant Classification Process June 2021. Collection method: clinical testing. Allele origin: germline. Affected: yes.
Comment: Observed with another DNAH5 variant in a patient with PCD in published literature, but it is not known whether the variants occurred on the same (in cis) or on different (in trans) chromosomes (Kim et al., 2014); Frameshift variant predicted to result in protein truncation or nonsense mediated decay in a gene for which loss of function is a known mechanism of disease; Not observed at significant frequency in large population cohorts (gnomAD); This variant is associated with the following publications: (PMID: 24498942)

Laboratory for Molecular Medicine, Mass General Brigham Personalized Medicine
Classification: Pathogenic for Primary ciliary dyskinesia. Last evaluated: 2018-05-10. Review status: criteria provided, single submitter. Criteria: LMM Criteria. Collection method: clinical testing. Allele origin: germline. Inheritance: Autosomal recessive inheritance. Observed: 1 variant allele.
Comment: The p.Val1014LeufsX20 variant in DNAH5 has been identified in the compound heter ozygous state in 2 individuals and in the homozygous state in 1 individual, all with PCD. It was absent from large population studies. This variant is predicted to cause a frameshift, which alters the protein?s amino acid sequence beginning at position 1014 and leads to a premature termination codon 20 amino acids down stream. This alteration is then predicted to lead to a truncated or absent prote in. In summary, this variant meets criteria to be classified as pathogenic for p rimary ciliary dyskinesia in an autosomal recessive manner based upon predicted loss-of-function impact, case observations, and absence from controls. ACMG/AMP criteria applied: PVS1, PM2, PM3.

Yale Center for Mendelian Genomics, Yale University
Classification: Likely pathogenic for Primary ciliary dyskinesia. Last evaluated: 2018-08-01. Review status: no assertion criteria provided. Collection method: literature only. Allele origin: germline. Affected: yes. Observed: 1 compound heterozygote. Study: Yale Center for Mendelian Genomics. Not counted in ClinVar's aggregate classification.

Literature cited by the submitters: PubMed 25186273 (cited by Natera, Inc. and Laboratory for Molecular Medicine, Mass General Brigham Personalized Medicine); PubMed 11788826 (cited by Labcorp Genetics (formerly Invitae), Labcorp); PubMed 16627867 (cited by Labcorp Genetics (formerly Invitae), Labcorp); PubMed 24498942 (cited by Labcorp Genetics (formerly Invitae), Labcorp and Laboratory for Molecular Medicine, Mass General Brigham Personalized Medicine); PubMed 30067075 (cited by Yale Center for Mendelian Genomics, Yale University).

NM_001369.3(DNAH5):c.3037_3040del (p.Val1014fs)

Genes: DNAH5 (dynein axonemal heavy chain 5; minus strand), DNAH5-AS1 (DNAH5 antisense RNA 1; plus strand). Cytogenetic location: 5p15.2.
Variant type: Deletion.
Coding change: c.3037_3040del on transcript NM_001369.3 (MANE Select); coding-DNA positions 3037 to 3040, 4 bases deleted (AGCG; older notation c.3037_3040delAGCG).
Protein change: p.Val1014fs; shifts the reading frame from valine 1014.
Molecular consequence: frameshift variant.
Genome position (GRCh38, 1-based): chr5:13,883,038-13,883,041, CGCT deleted on the plus strand (AGCG on the coding strand, the reverse complement: DNAH5 is on the minus strand). VCF-style (leftmost placement, unchanged base first): chr5-13883037-ACGCT-A. GRCh37 (hg19) VCF-style: chr5-13883146-ACGCT-A.
Other names: c.3037_3040del (NM_001369.2); c.3037_3040delAGCG (NM_001369.2); short protein forms V1014fs.
Identifiers: ClinVar variation 667393 (VCV000667393.13), dbSNP rs1580731750, ClinGen allele CA915943311.